The following is an entry in ClinVar:

ClinVar aggregate classification (germline): Uncertain significance. Review status: criteria provided, multiple submitters, no conflicts (2 of 4 stars). 2 submissions from 2 submitters: Uncertain significance (2). Last evaluated 2025-12-02.

Conditions:
Multiple endocrine neoplasia type 4. Also called: MULTIPLE ENDOCRINE NEOPLASIA, TYPE IV. Identifiers: Orphanet 276152, MedGen C1970712, MONDO:0012552, OMIM 610755.
Hereditary cancer-predisposing syndrome. Also called: Hereditary Cancer Syndrome; Tumor predisposition; Hereditary neoplastic syndrome; Neoplastic Syndromes, Hereditary. Identifiers: Orphanet 140162, MedGen C0027672, MeSH D009386, MONDO:0015356.

Submissions (2):

Ambry Genetics
Classification: Uncertain significance for Hereditary cancer-predisposing syndrome. Last evaluated: 2025-12-02. Review status: criteria provided, single submitter. Criteria: Ambry Variant Classification Scheme 2023. Collection method: clinical testing. Allele origin: germline.
Comment: The p.R5G variant (also known as c.13C>G), located in coding exon 1 of the CDKN1B gene, results from a C to G substitution at nucleotide position 13. The arginine at codon 5 is replaced by glycine, an amino acid with dissimilar properties. This amino acid position is conserved. In addition, the in silico prediction for this alteration is inconclusive. Based on the available evidence, the clinical significance of this variant remains unclear.

Labcorp Genetics (formerly Invitae), Labcorp
Classification: Uncertain significance for Multiple endocrine neoplasia type 4. Last evaluated: 2025-11-10. Review status: criteria provided, single submitter. Criteria: Invitae Variant Classification Sherloc (09022015). Collection method: clinical testing. Allele origin: germline.
Comment: This sequence change replaces arginine, which is basic and polar, with glycine, which is neutral and non-polar, at codon 5 of the CDKN1B protein (p.Arg5Gly). This variant is not present in population databases (gnomAD no frequency). This variant has not been reported in the literature in individuals affected with CDKN1B-related conditions. ClinVar contains an entry for this variant (Variation ID: 1051010). An algorithm developed to predict the effect of missense changes on protein structure and function (PolyPhen-2) suggests that this variant is likely to be disruptive. In summary, the available evidence is currently insufficient to determine the role of this variant in disease. Therefore, it has been classified as a Variant of Uncertain Significance.

NM_004064.5(CDKN1B):c.13C>G (p.Arg5Gly)

Gene: CDKN1B (cyclin dependent kinase inhibitor 1B; plus strand). Cytogenetic location: 12p13.1.
Variant type: single nucleotide variant.
Coding change: c.13C>G on transcript NM_004064.5 (MANE Select); coding-DNA position 13, C replaced by G.
Protein change: p.Arg5Gly; replaces arginine 5 with glycine.
Molecular consequence: missense variant.
Genome position (GRCh38, 1-based): chr12:12,717,852, C>G. VCF-style: chr12-12717852-C-G. GRCh37 (hg19) VCF-style: chr12-12870786-C-G.
Other names: c.13C>G (NM_004064.3); short protein forms R5G.
Identifiers: ClinVar variation 1051010 (VCV001051010.10), dbSNP rs1349668409, ClinGen allele CA383967910.